The following is an entry in ClinVar:

NM_000388.4(CASR):c.1472TCA[1] (p.Ile492del)

Gene: CASR (calcium sensing receptor; plus strand). Cytogenetic location: 3q21.1.
Variant type: Microsatellite.
Coding change: c.1472TCA[1] on transcript NM_000388.4 (MANE Select); one copy of the 3-base unit TCA starting at c.1472; the reference has two copies in a row; one copy, 3 bases deleted.
Protein change: p.Ile492del; deletes isoleucine 492.
Genome position (GRCh38, 1-based): chr3:122,275,909-122,275,911, TCA deleted; deleting any 3 consecutive bases within chr3:122,275,904-122,275,911 gives the same sequence; the position shown is the placement nearest the transcript's 3' end. VCF-style (leftmost placement, unchanged base first): chr3-122275903-CCAT-C. GRCh37 (hg19) VCF-style: chr3-121994750-CCAT-C.
Other names: c.1472TCA[1], p.Ile492del (NM_001178065.2); short protein forms I492del.
Identifiers: ClinVar variation 4785630 (VCV004785630.1).
Genomic context (GRCh38, chr3:122,275,903, plus strand): 5'-CAAACAATATGGGGGAGCAGGTGACCTTTGATGAGTGTGGTGACCTGGTGGGGAACTATT[CCAT>C]CATCAACTGGCACCTCTCCCCAGAGGATGGCTCCATCGTGTTTAAGGAAGTCGGGTATTA-3'

ClinVar aggregate classification (germline): Uncertain significance (1 of 4 stars; one submission).

Conditions:
Autosomal dominant hypocalcemia 1 (HYPOC1). Also called: HYPOCALCEMIA, FAMILIAL. Identifiers: MedGen C3715128, MONDO:0011013, OMIM 601198.
Familial hypocalciuric hypercalcemia (FHH). Also called: Familial benign hypercalcemia. Identifiers: Orphanet 405, MedGen C1809471, MONDO:0018458.

Submission:

Labcorp Genetics (formerly Invitae), Labcorp
Classification: Uncertain significance for Familial hypocalciuric hypercalcemia; Autosomal dominant hypocalcemia 1. Last evaluated: 2025-07-21. Review status: criteria provided, single submitter. Criteria: Invitae Variant Classification Sherloc (09022015). Collection method: clinical testing. Allele origin: germline.
Comment: This variant, c.1475_1477del, results in the deletion of 1 amino acid(s) of the CASR protein (p.Ile492del), but otherwise preserves the integrity of the reading frame. This variant is not present in population databases (gnomAD no frequency). This variant has not been reported in the literature in individuals affected with CASR-related conditions. Experimental studies and prediction algorithms are not available or were not evaluated, and the functional significance of this variant is currently unknown. In summary, the available evidence is currently insufficient to determine the role of this variant in disease. Therefore, it has been classified as a Variant of Uncertain Significance.